The following is an entry in ClinVar:

NM_000308.4(CTSA):c.559C>G (p.Leu187Val)

Gene: CTSA (cathepsin A; plus strand). Cytogenetic location: 20q13.12.
Variant type: single nucleotide variant.
Coding change: c.559C>G on transcript NM_000308.4 (MANE Select); coding-DNA position 559, C replaced by G.
Protein change: p.Leu187Val; replaces leucine 187 with valine.
Molecular consequence: missense variant. On other transcripts: non-coding transcript variant (1).
Genome position (GRCh38, 1-based): chr20:45,892,839, C>G. VCF-style: chr20-45892839-C-G. GRCh37 (hg19) VCF-style: chr20-44521478-C-G.
Other names: c.559C>G, p.Leu187Val (NM_001127695.3); c.508C>G, p.Leu170Val (NM_001167594.3); short protein forms L170V, L187V.
Identifiers: ClinVar variation 3705763 (VCV003705763.1).
Genomic context (GRCh38, chr20:45,892,839, plus strand): 5'-TACAAGAACAACAAACTTTTCCTGACCGGGGAGAGCTATGCTGGCATCTACATCCCCACC[C>G]TGGCCGTGCTGGTCATGCAGGATCCCAGCATGAACCTTCAGGTGCAGGGTAGCTGCAGGA-3'
Protein context (NP_000299.3, residues 177-197): ESYAGIYIPT[Leu187Val]AVLVMQDPSM

ClinVar aggregate classification (germline): Uncertain significance (1 of 4 stars; one submission).

Conditions:
Combined deficiency of sialidase AND beta galactosidase (GSL). Also called: CATHEPSIN A DEFICIENCY; GOLDBERG SYNDROME; NEURAMINIDASE DEFICIENCY WITH BETA-GALACTOSIDASE DEFICIENCY; NEURAMINIDASE/BETA-GALACTOSIDASE EXPRESSION; PPCA DEFICIENCY; PROTECTIVE PROTEIN/CATHEPSIN A DEFICIENCY. Identifiers: Orphanet 351, MedGen C0268233, MONDO:0009737, OMIM 256540.

gnomAD v4.1: 6 of 1,614,204 alleles (0.00037%); highest among the groups gnomAD compares: Non-Finnish European, 0.00042%; no homozygotes.

Submission:

Labcorp Genetics (formerly Invitae), Labcorp
Classification: Uncertain significance for Combined deficiency of sialidase AND beta galactosidase. Last evaluated: 2024-12-24. Review status: criteria provided, single submitter. Criteria: Invitae Variant Classification Sherloc (09022015). Collection method: clinical testing. Allele origin: germline.
Comment: This sequence change replaces leucine, which is neutral and non-polar, with valine, which is neutral and non-polar, at codon 205 of the CTSA protein (p.Leu205Val). This variant is present in population databases (rs373498418, gnomAD 0.007%). This variant has not been reported in the literature in individuals affected with CTSA-related conditions. Invitae Evidence Modeling of protein sequence and biophysical properties (such as structural, functional, and spatial information, amino acid conservation, physicochemical variation, residue mobility, and thermodynamic stability) has been performed for this missense variant. However, the output from this modeling did not meet the statistical confidence thresholds required to predict the impact of this variant on CTSA protein function. In summary, the available evidence is currently insufficient to determine the role of this variant in disease. Therefore, it has been classified as a Variant of Uncertain Significance.